The following is an entry in ClinVar:

NM_020163.3(SEMA3G):c.804C>T (p.Arg268=)

Gene: SEMA3G (semaphorin 3G; minus strand). Cytogenetic location: 3p21.1.
Variant type: single nucleotide variant.
Coding change: c.804C>T on transcript NM_020163.3 (MANE Select); coding-DNA position 804, C replaced by T.
Protein change: p.Arg268=; no amino-acid change (arginine 268 retained).
Molecular consequence: synonymous variant.
Genome position (GRCh38, 1-based): chr3:52,441,273, G>A on the plus strand (C>T on the coding strand, the complement: SEMA3G is on the minus strand). VCF-style: chr3-52441273-G-A. GRCh37 (hg19) VCF-style: chr3-52475289-G-A.
Identifiers: ClinVar variation 3031463 (VCV003031463.2), dbSNP rs138050174, ClinGen allele CA74767432.

ClinVar aggregate classification (germline): Likely benign (0 of 4 stars; one submission).

Conditions:
SEMA3G-related disorder. Also called: SEMA3G-related condition.

Allele frequency attached by ClinVar (database versions not stated): gnomAD 0.00001; TOPMed 0.00002; ESP Exome Variant Server 0.00008.
gnomAD v4.1: 19 of 1,613,092 alleles (0.0012%); highest among the groups gnomAD compares: Middle Eastern, 0.016%; no homozygotes.

Submission:

PreventionGenetics, part of Exact Sciences
Classification: Likely benign for SEMA3G-related condition. Last evaluated: 2023-05-23. Review status: no assertion criteria provided. Collection method: clinical testing. Allele origin: germline.
Comment: This variant is classified as likely benign based on ACMG/AMP sequence variant interpretation guidelines (Richards et al. 2015 PMID: 25741868, with internal and published modifications).